The following is an entry in ClinVar:

NM_133259.4(LRPPRC):c.857_860dup (p.Lys287delinsAsnTer)

Gene: LRPPRC (leucine rich pentatricopeptide repeat containing; minus strand). Cytogenetic location: 2p21.
Variant type: Duplication.
Coding change: c.857_860dup on transcript NM_133259.4 (MANE Select); coding-DNA positions 857 to 860, 4 bases duplicated (TTAA; older notation c.857_860dupTTAA).
Protein change: p.Lys287delinsAsnTer.
Molecular consequence: nonsense.
Genome position (GRCh38, 1-based): chr2:43,975,095-43,975,098, TTAA duplicated on the plus strand (TTAA on the coding strand, the reverse complement: LRPPRC is on the minus strand). VCF-style (leftmost placement, unchanged base first): chr2-43975094-C-CTTAA. GRCh37 (hg19) VCF-style: chr2-44202233-C-CTTAA.
Identifiers: ClinVar variation 4816497 (VCV004816497.1).

ClinVar aggregate classification (germline): Likely pathogenic (1 of 4 stars; one submission).

Conditions:
Congenital lactic acidosis, Saguenay-Lac-Saint-Jean type (MC4DN5). Also called: CYTOCHROME c OXIDASE DEFICIENCY, FRENCH CANADIAN TYPE; COX DEFICIENCY, FRENCH CANADIAN TYPE; MITOCHONDRIAL COMPLEX IV DEFICIENCY, NUCLEAR TYPE 5. Identifiers: Orphanet 70472, MedGen C1857355, MONDO:0009069, OMIM 220111.

Submission:

Natera, Inc.
Classification: Likely pathogenic for French-Canadian type Leigh syndrome. Last evaluated: 2024-10-27. Review status: criteria provided, single submitter. Criteria: Natera Variant Classification Schema (03/2026). Collection method: clinical testing. Allele origin: germline.
Comment: The c.857_860dup variant in LRPPRC is a frameshift variant predicted to shift the reading frame beginning at codon 287 and leads to a stop codon 2 codons downstream. This variant is expected to result in nonsense mediated decay, truncation, or a dysfunctional protein product. This variant is rare in the general population with a frequency below the threshold expected for the associated phenotype(s). Given the available evidence, this variant is classified as Likely Pathogenic.